The following is an entry in ClinVar:

ClinVar aggregate classification (germline): Conflicting classifications of pathogenicity. Review status: criteria provided, conflicting classifications (1 of 4 stars). 4 submissions from 4 submitters: Uncertain significance (3); Likely benign (1). Last evaluated 2024-10-30.

Conditions:
Hereditary cancer-predisposing syndrome. Also called: Hereditary neoplastic syndrome; Neoplastic Syndromes, Hereditary; Tumor predisposition; Hereditary Cancer Syndrome. Identifiers: Orphanet 140162, MedGen C0027672, MeSH D009386, MONDO:0015356.
Hereditary breast ovarian cancer syndrome. Also called: Hereditary breast and ovarian cancer syndrome (HBOC); Breast and ovarian cancer; Hereditary breast and/or ovarian cancer syndrome; BRCA1- and BRCA2-Associated Hereditary Breast and Ovarian Cancer; Hereditary breast and ovarian cancer syndrome; Hereditary breast and ovarian cancer. Identifiers: Orphanet 145, MedGen C0677776, MeSH D061325, MONDO:0003582. Disease mechanism: loss of function.
Nijmegen breakage syndrome-like disorder (NBSLD). Also called: MICROCEPHALY AND SPONTANEOUS CHROMOSOME INSTABILITY WITHOUT IMMUNODEFICIENCY; NBS-LIKE DISORDER; RAD50 DEFICIENCY. Identifiers: Orphanet 240760, MedGen C2751318, MONDO:0013118, OMIM 613078.

Allele frequency attached by ClinVar (database versions not stated): gnomAD exomes below 0.00001 and 0.00003; ExAC 0.00002.
gnomAD v4.1: 40 of 1,613,800 alleles (0.0025%); highest among the groups gnomAD compares: East Asian, 0.078%; no homozygotes.

Submissions (4):

Ambry Genetics
Classification: Likely benign for Hereditary cancer-predisposing syndrome. Last evaluated: 2024-10-30. Review status: criteria provided, single submitter. Criteria: Ambry Variant Classification Scheme 2023. Collection method: clinical testing. Allele origin: germline.

Labcorp Genetics (formerly Invitae), Labcorp
Classification: Uncertain significance for Hereditary cancer-predisposing syndrome. Last evaluated: 2024-10-19. Review status: criteria provided, single submitter. Criteria: Invitae Variant Classification Sherloc (09022015). Collection method: clinical testing. Allele origin: germline.
Comment: This sequence change replaces asparagine, which is neutral and polar, with serine, which is neutral and polar, at codon 868 of the RAD50 protein (p.Asn868Ser). This variant is not present in population databases (gnomAD no frequency). This variant has not been reported in the literature in individuals affected with RAD50-related conditions. ClinVar contains an entry for this variant (Variation ID: 185330). Invitae Evidence Modeling of protein sequence and biophysical properties (such as structural, functional, and spatial information, amino acid conservation, physicochemical variation, residue mobility, and thermodynamic stability) has been performed for this missense variant. However, the output from this modeling did not meet the statistical confidence thresholds required to predict the impact of this variant on RAD50 protein function. In summary, the available evidence is currently insufficient to determine the role of this variant in disease. Therefore, it has been classified as a Variant of Uncertain Significance.

Baylor Genetics
Classification: Uncertain significance for Nijmegen breakage syndrome-like disorder. Last evaluated: 2024-03-28. Review status: criteria provided, single submitter. Criteria: ACMG Guidelines, 2015. Collection method: clinical testing. Allele origin: unknown.

Cancer Genomics Group, Japanese Foundation For Cancer Research
Classification: Uncertain significance for Hereditary breast and ovarian cancer syndrome. Last evaluated: 2019-05-01. Review status: criteria provided, single submitter. Criteria: ACMG Guidelines, 2015. Collection method: research. Allele origin: germline. Affected: yes.

NM_005732.4(RAD50):c.2603A>G (p.Asn868Ser)

Gene: RAD50 (RAD50 double strand break repair protein; plus strand). Cytogenetic location: 5q31.1.
Variant type: single nucleotide variant.
Coding change: c.2603A>G on transcript NM_005732.4 (MANE Select); coding-DNA position 2603, A replaced by G.
Protein change: p.Asn868Ser; replaces asparagine 868 with serine.
Molecular consequence: missense variant.
Genome position (GRCh38, 1-based): chr5:132,604,884, A>G. VCF-style: chr5-132604884-A-G. GRCh37 (hg19) VCF-style: chr5-131940576-A-G.
Other names: short protein forms N868S.
Identifiers: ClinVar variation 185330 (VCV000185330.17), dbSNP rs758941378, ClinGen allele CA191656.